The following is an entry in ClinVar:

NM_001099403.2(PRDM8):c.736C>T (p.Pro246Ser)

Gene: PRDM8 (PR/SET domain 8; plus strand). Cytogenetic location: 4q21.21.
Variant type: single nucleotide variant.
Coding change: c.736C>T on transcript NM_001099403.2 (MANE Select); coding-DNA position 736, C replaced by T.
Protein change: p.Pro246Ser; replaces proline 246 with serine.
Molecular consequence: missense variant.
Genome position (GRCh38, 1-based): chr4:80,202,198, C>T. VCF-style: chr4-80202198-C-T. GRCh37 (hg19) VCF-style: chr4-81123352-C-T.
Other names: c.736C>T, p.Pro246Ser (NM_020226.4); short protein forms P246S.
Identifiers: ClinVar variation 1063061 (VCV001063061.9), dbSNP rs1330185577, ClinGen allele CA357395103.

ClinVar aggregate classification (germline): Uncertain significance (1 of 4 stars; one submission).

Conditions:
Early-onset Lafora body disease. Also called: Epilepsy, progressive myoclonic, 10. Identifiers: Orphanet 324290, MedGen C4225258, MONDO:0014717, OMIM 616640.

gnomAD v4.1: 8 of 1,612,076 alleles (0.0005%); highest among the groups gnomAD compares: South Asian, 0.0011%; no homozygotes.

Submission:

Labcorp Genetics (formerly Invitae), Labcorp
Classification: Uncertain significance for Early-onset Lafora body disease. Last evaluated: 2023-05-22. Review status: criteria provided, single submitter. Criteria: Invitae Variant Classification Sherloc (09022015). Collection method: clinical testing. Allele origin: germline.
Comment: In summary, the available evidence is currently insufficient to determine the role of this variant in disease. Therefore, it has been classified as a Variant of Uncertain Significance. An algorithm developed to predict the effect of missense changes on protein structure and function (PolyPhen-2) suggests that this variant is likely to be tolerated. ClinVar contains an entry for this variant (Variation ID: 1063061). This variant has not been reported in the literature in individuals affected with PRDM8-related conditions. This variant is not present in population databases (gnomAD no frequency). This sequence change replaces proline, which is neutral and non-polar, with serine, which is neutral and polar, at codon 246 of the PRDM8 protein (p.Pro246Ser).